The following is an entry in ClinVar:

NM_017755.6(NSUN2):c.2062del (p.Thr688fs)

Gene: NSUN2 (NOP2/Sun RNA methyltransferase 2; minus strand). Cytogenetic location: 5p15.31.
Variant type: Deletion.
Coding change: c.2062del on transcript NM_017755.6 (MANE Select); coding-DNA position 2062, one base deleted (A; older notation c.2062delA).
Protein change: p.Thr688fs; shifts the reading frame from threonine 688.
Molecular consequence: frameshift variant. On other transcripts: non-coding transcript variant (1).
Genome position (GRCh38, 1-based): chr5:6,600,168, T deleted on the plus strand (A on the coding strand, the reverse complement: NSUN2 is on the minus strand); the first of 2 consecutive T bases (chr5:6,600,168-6,600,169); deleting either gives the same sequence. VCF-style (leftmost placement, unchanged base first): chr5-6600167-GT-G. GRCh37 (hg19) VCF-style: chr5-6600280-GT-G.
Other names: NR_037947.2:n.2042del; c.1957del, p.Thr653fs (NM_001193455.2); short protein forms T653fs, T688fs.
Identifiers: ClinVar variation 2500907 (VCV002500907.1), dbSNP rs2477383140, ClinGen allele CA2573335111.

ClinVar aggregate classification (germline): Uncertain significance (1 of 4 stars; one submission).

Conditions:
Intellectual developmental disorder, autosomal recessive 5. Also called: Intellectual disability, autosomal recessive 5. Identifiers: Orphanet 88616, MedGen C1970199, MONDO:0012613, OMIM 611091.

Submission:

Broad Center for Mendelian Genomics, Broad Institute of MIT and Harvard
Classification: Uncertain significance for Intellectual developmental disorder, autosomal recessive 5. Last evaluated: 2023-05-02. Review status: criteria provided, single submitter. Criteria: ACMG Guidelines, 2015. Collection method: curation. Allele origin: germline. Inheritance: Autosomal recessive inheritance.
Comment: The p.Thr688LeufsTer14 variant in NSUN2 has not been previously reported in individuals with intellectual developmental disorder 5. This variant was absent from large population studies. This variant is predicted to cause a frameshift, which alters the protein‚Äôs amino acid sequence beginning at position 688 and leads to a premature termination codon 14 amino acids downstream. This termination codon occurs within the last exon and is more likely to escape nonsense mediated decay (NMD) and result in a truncated protein. Loss of function of the NSUN2 gene is strongly associated to autosomal recessive intellectual developmental disorder 5. In summary, the clinical significance of the p.Thr688LeufsTer14 variant is uncertain. ACMG/AMP Criteria applied: PVS1_Supporting, PM2_Supporting (Richards 2015).